The following is an entry in ClinVar:

ClinVar aggregate classification (germline): Uncertain significance (0 of 4 stars; one submission).

Conditions:
CUBN-related disorder. Also called: CUBN-related condition.

gnomAD v4.1: 4 of 1,613,242 alleles (0.00025%); highest among the groups gnomAD compares: African/African-American, 0.0027%; no homozygotes.

Submission:

PreventionGenetics, part of Exact Sciences
Classification: Uncertain significance for CUBN-related condition. Last evaluated: 2024-03-15. Review status: no assertion criteria provided. Collection method: clinical testing. Allele origin: germline.
Comment: The CUBN c.4555G>A variant is predicted to result in the amino acid substitution p.Gly1519Arg. To our knowledge, this variant has not been reported in the literature. This variant is reported in 0.011% of alleles in individuals of African descent in gnomAD. At this time, the clinical significance of this variant is uncertain due to the absence of conclusive functional and genetic evidence.

NM_001081.4(CUBN):c.4555G>A (p.Gly1519Arg)

Gene: CUBN (cubilin; minus strand). Cytogenetic location: 10p13.
Variant type: single nucleotide variant.
Coding change: c.4555G>A on transcript NM_001081.4 (MANE Select); coding-DNA position 4555, G replaced by A.
Protein change: p.Gly1519Arg; replaces glycine 1519 with arginine.
Molecular consequence: missense variant.
Genome position (GRCh38, 1-based): chr10:16,982,624, C>T on the plus strand (G>A on the coding strand, the complement: CUBN is on the minus strand). VCF-style: chr10-16982624-C-T. GRCh37 (hg19) VCF-style: chr10-17024623-C-T.
Other names: short protein forms G1519R.
Identifiers: ClinVar variation 3348236 (VCV003348236.1).